The following is an entry in ClinVar:

NM_000069.3(CACNA1S):c.3437T>A (p.Met1146Lys)

Gene: CACNA1S (calcium voltage-gated channel subunit alpha1 S; minus strand). Cytogenetic location: 1q32.1.
Variant type: single nucleotide variant.
Coding change: c.3437T>A on transcript NM_000069.3 (MANE Select); coding-DNA position 3437, T replaced by A.
Protein change: p.Met1146Lys; replaces methionine 1146 with lysine.
Molecular consequence: missense variant.
Genome position (GRCh38, 1-based): chr1:201,059,277, A>T on the plus strand (T>A on the coding strand, the complement: CACNA1S is on the minus strand). VCF-style: chr1-201059277-A-T. GRCh37 (hg19) VCF-style: chr1-201028405-A-T.
Other names: short protein forms M1146K.
Identifiers: ClinVar variation 577254 (VCV000577254.10), dbSNP rs763707356, ClinGen allele CA082556.

ClinVar aggregate classification (germline): Uncertain significance. Review status: criteria provided, multiple submitters, no conflicts (2 of 4 stars). 6 submissions from 3 submitters: Uncertain significance (6). Last evaluated 2023-04-11.

Conditions:
Congenital myopathy 18. Also called: Myopathy, congenital, due to dihydropyridine receptor defect; DIHYDROPYRIDINE RECEPTOR CONGENITAL MYOPATHY; DHPR CONGENITAL MYOPATHY. Identifiers: MedGen C5830283, MONDO:0859514, OMIM 620246.
Hypokalemic periodic paralysis, type 1. Also called: Hypokalemic Periodic Paralysis Type 1 (AD); HypoPP. Identifiers: Orphanet 681, MedGen C3714580, MONDO:0042979, OMIM 170400.
Malignant hyperthermia, susceptibility to, 5 (MHS5). Also called: CACNA1S-Related Malignant Hyperthermia Susceptibility. Identifiers: Orphanet 423, MedGen C1866077, MONDO:0011163, OMIM 601887.
Thyrotoxic periodic paralysis, susceptibility to, 1 (TTPP1). Identifiers: Orphanet 79102, MedGen C2749982, MONDO:0008570, OMIM 188580.

Allele frequency attached by ClinVar (database versions not stated): gnomAD 0.00001; gnomAD exomes 0.00001; ExAC 0.00002; TOPMed 0.00005.

Submissions (6):

Genome-Nilou Lab
Classification: Uncertain significance for Malignant hyperthermia, susceptibility to, 5. Last evaluated: 2023-04-11. Review status: criteria provided, single submitter. Criteria: ACMG Guidelines, 2015. Collection method: clinical testing. Allele origin: germline. Affected: no.

Genome-Nilou Lab
Classification: Uncertain significance for Thyrotoxic periodic paralysis, susceptibility to, 1. Last evaluated: 2023-04-11. Review status: criteria provided, single submitter. Criteria: ACMG Guidelines, 2015. Collection method: clinical testing. Allele origin: germline. Affected: no.

Genome-Nilou Lab
Classification: Uncertain significance for Congenital myopathy 18. Last evaluated: 2023-04-11. Review status: criteria provided, single submitter. Criteria: ACMG Guidelines, 2015. Collection method: clinical testing. Allele origin: germline. Affected: no.

Genome-Nilou Lab
Classification: Uncertain significance for Hypokalemic periodic paralysis, type 1. Last evaluated: 2023-04-11. Review status: criteria provided, single submitter. Criteria: ACMG Guidelines, 2015. Collection method: clinical testing. Allele origin: germline. Affected: no.

Fulgent Genetics
Classification: Uncertain significance for Hypokalemic periodic paralysis, type 1; Thyrotoxic periodic paralysis, susceptibility to, 1; Malignant hyperthermia, susceptibility to, 5. Last evaluated: 2022-05-15. Review status: criteria provided, single submitter. Criteria: ACMG Guidelines, 2015. Collection method: clinical testing. Allele origin: unknown.

Labcorp Genetics (formerly Invitae), Labcorp
Classification: Uncertain significance for Hypokalemic periodic paralysis, type 1; Malignant hyperthermia, susceptibility to, 5. Last evaluated: 2018-06-25. Review status: criteria provided, single submitter. Criteria: Invitae Variant Classification Sherloc (09022015). Collection method: clinical testing. Allele origin: germline.
Comment: Algorithms developed to predict the effect of missense changes on protein structure and function (SIFT, PolyPhen-2, Align-GVGD) all suggest that this variant is likely to be tolerated, but these predictions have not been confirmed by published functional studies and their clinical significance is uncertain. This sequence change replaces methionine with lysine at codon 1146 of the CACNA1S protein (p.Met1146Lys). The methionine residue is moderately conserved and there is a moderate physicochemical difference between methionine and lysine. This variant is present in population databases (rs763707356, ExAC 0.003%). This variant has not been reported in the literature in individuals with CACNA1S-related disease. In summary, the available evidence is currently insufficient to determine the role of this variant in disease. Therefore, it has been classified as a Variant of Uncertain Significance.